The following continues an entry in ClinVar:

NM_000059.4(BRCA2):c.6059_6062del (p.Glu2020fs)

Gene: BRCA2. ClinVar aggregate classification (germline): Pathogenic. Pathogenic (1).

Submissions 13 to 18 of 18:

Consortium of Investigators of Modifiers of BRCA1/2 (CIMBA), c/o University of Cambridge
Classification: Pathogenic for Breast-ovarian cancer, familial, susceptibility to, 2. Last evaluated: 2015-10-02. Review status: criteria provided, single submitter. Criteria: CIMBA Mutation Classification guidelines May 2016. Collection method: clinical testing. Allele origin: germline. Not counted in ClinVar's aggregate classification.

Department of Medical Genetics, Oslo University Hospital
Classification: Pathogenic for Breast-ovarian cancer, familial, susceptibility to, 2. Last evaluated: 2015-07-21. Review status: criteria provided, single submitter. Criteria: ACMG Guidelines, 2015. Collection method: clinical testing. Allele origin: germline. Affected: yes. Observed: 9 variant alleles. Not counted in ClinVar's aggregate classification.

BRCAlab, Lund University
Classification: Pathogenic for Breast-ovarian cancer, familial, susceptibility to, 2. Last evaluated: 2022-08-26. Review status: no assertion criteria provided. Collection method: clinical testing. Allele origin: germline. Affected: yes. Not counted in ClinVar's aggregate classification.

Research Molecular Genetics Laboratory, Women's College Hospital, University of Toronto
Classification: Pathogenic for Hereditary breast ovarian cancer syndrome. Last evaluated: 2014-01-31. Review status: no assertion criteria provided. Collection method: research. Allele origin: germline. Affected: yes. Study: The Canadian Open Genetics Repository (COGR). Not counted in ClinVar's aggregate classification.

Sharing Clinical Reports Project (SCRP)
Classification: Pathogenic for Breast-ovarian cancer, familial 2. Last evaluated: 2007-03-05. Review status: no assertion criteria provided. Collection method: clinical testing. Allele origin: germline. Not counted in ClinVar's aggregate classification.

Department of Pathology and Laboratory Medicine, Sinai Health System
Classification: Pathogenic for Malignant tumor of breast. Review status: no assertion criteria provided. Collection method: clinical testing. Allele origin: unknown. Affected: yes. Observed: 2 variant alleles. Study: The Canadian Open Genetics Repository (COGR). Not counted in ClinVar's aggregate classification.
Comment: The p.Glu2020ValfsX19 deletion was not identified in the literature but has been reported 1x in the UMD database as causal. This deletion is predicted to cause a frameshift, which alters the protein's amino acid sequence beginning at codon 2020 and leads to a premature stop codon 19 codons downstream. This alteration is then predicted to result in a truncated or absent protein and loss of function. Loss of function variants of the BRCA2 gene are an established mechanism of disease in hereditary breast and ovarian cancer. In summary, based on the above information, this variant meets our laboratory's criteria to be classified as pathogenic.

Literature cited by the submitters: PubMed 9836472 (cited by 3 submitters); PubMed 15951958 (cited by 5 submitters); PubMed 28637432 (cited by 3 submitters); PubMed 29446198 (cited by Color Diagnostics, LLC DBA Color Health and Women's Health and Genetics/Laboratory Corporation of America, LabCorp); PubMed 31853058 (cited by Color Diagnostics, LLC DBA Color Health); PubMed 33471991 (cited by Color Diagnostics, LLC DBA Color Health); PubMed 29339979 (cited by Ambry Genetics and Mayo Clinic Laboratories, Mayo Clinic); PubMed 20104584 (cited by Labcorp Genetics (formerly Invitae), Labcorp); PubMed 10682686 (cited by Mayo Clinic Laboratories, Mayo Clinic and Women's Health and Genetics/Laboratory Corporation of America, LabCorp).